The following is an entry in ClinVar:

ClinVar aggregate classification (germline): Uncertain significance (1 of 4 stars; one submission).

Conditions:
Hereditary cancer-predisposing syndrome. Also called: Neoplastic Syndromes, Hereditary; Tumor predisposition; Hereditary neoplastic syndrome; Hereditary Cancer Syndrome. Identifiers: Orphanet 140162, MedGen C0027672, MeSH D009386, MONDO:0015356.

Submission:

Ambry Genetics
Classification: Uncertain significance for Hereditary cancer-predisposing syndrome. Last evaluated: 2026-07-07. Review status: criteria provided, single submitter. Criteria: Ambry Variant Classification Scheme 2023. Collection method: clinical testing. Allele origin: germline.
Comment: The p.K62N variant (also known as c.186A>C), located in coding exon 2 of the SMARCB1 gene, results from an A to C substitution at nucleotide position 186. The lysine at codon 62 is replaced by asparagine, an amino acid with similar properties. This amino acid position is conserved. In addition, the in silico prediction for this alteration is inconclusive. Based on the available evidence, the clinical significance of this variant remains unclear.

NM_003073.5(SMARCB1):c.186A>C (p.Lys62Asn)

Gene: SMARCB1 (SWI/SNF related BAF chromatin remodeling complex subunit B1; plus strand). Cytogenetic location: 22q11.23.
Variant type: single nucleotide variant.
Coding change: c.186A>C on transcript NM_003073.5 (MANE Select); coding-DNA position 186, A replaced by C.
Protein change: p.Lys62Asn; replaces lysine 62 with asparagine.
Molecular consequence: missense variant.
Genome position (GRCh38, 1-based): chr22:23,791,848, A>C. VCF-style: chr22-23791848-A-C. GRCh37 (hg19) VCF-style: chr22-24134035-A-C.
Other names: c.186A>C, p.Lys62Asn (NM_001007468.3, NM_001317946.2, NM_001362877.2); short protein forms K62N.
Identifiers: ClinVar variation 5029928 (VCV005029928.1).